The following is an entry in ClinVar:

NM_004531.5(MOCS2):c.325G>A (p.Asp109Asn)

Gene: MOCS2 (molybdenum cofactor synthesis 2; minus strand). Cytogenetic location: 5q11.2.
Variant type: single nucleotide variant.
Coding change: c.325G>A on transcript NM_004531.5 (MANE Select); coding-DNA position 325, G replaced by A.
Protein change: p.Asp109Asn; replaces aspartic acid 109 with asparagine.
Molecular consequence: missense variant. On other transcripts: 3 prime UTR variant (1).
Genome position (GRCh38, 1-based): chr5:53,101,411, C>T on the plus strand (G>A on the coding strand, the complement: MOCS2 is on the minus strand). VCF-style: chr5-53101411-C-T. GRCh37 (hg19) VCF-style: chr5-52397241-C-T.
Other names: c.*245G>A (NM_176806.4); short protein forms D109N.
Identifiers: ClinVar variation 1432307 (VCV001432307.4), dbSNP rs774737022, ClinGen allele CA3263650.

ClinVar aggregate classification (germline): Uncertain significance. Review status: criteria provided, multiple submitters, no conflicts (2 of 4 stars). 2 submissions from 2 submitters: Uncertain significance (2). Last evaluated 2024-02-08.

Conditions:
Sulfite oxidase deficiency due to molybdenum cofactor deficiency type B1 (MOCODB1). Also called: Molybdenum cofactor deficiency, complementation group B; MOLYBDENUM COFACTOR DEFICIENCY, TYPE B1; Molybdenum cofactor deficiency B; Sulfite oxidase deficiency due to molybdenum cofactor deficiency type B. Identifiers: Orphanet 308393, Orphanet 833, MedGen C6065887, MONDO:0009644, OMIM 252160.

Allele frequency attached by ClinVar (database versions not stated): ExAC 0.00002; gnomAD exomes 0.00002 and 0.00005; gnomAD 0.00003; TOPMed 0.00005.
gnomAD v4.1: 19 of 1,613,792 alleles (0.0012%); highest among the groups gnomAD compares: Admixed American, 0.023%; no homozygotes.

Submissions (2):

Fulgent Genetics
Classification: Uncertain significance for Sulfite oxidase deficiency due to molybdenum cofactor deficiency type B1. Last evaluated: 2024-02-08. Review status: criteria provided, single submitter. Criteria: ACMG Guidelines, 2015. Collection method: clinical testing. Allele origin: germline.

Labcorp Genetics (formerly Invitae), Labcorp
Classification: Uncertain significance. Last evaluated: 2022-06-08. Review status: criteria provided, single submitter. Criteria: Invitae Variant Classification Sherloc (09022015). Collection method: clinical testing. Allele origin: germline.
Comment: This sequence change replaces aspartic acid, which is acidic and polar, with asparagine, which is neutral and polar, at codon 109 of the MOCS2B protein (p.Asp109Asn). This variant is present in population databases (rs774737022, gnomAD 0.02%). This variant has not been reported in the literature in individuals affected with MOCS2B-related conditions. Algorithms developed to predict the effect of missense changes on protein structure and function are either unavailable or do not agree on the potential impact of this missense change (SIFT: "Deleterious"; PolyPhen-2: "Benign"; Align-GVGD: "Class C0"). In summary, the available evidence is currently insufficient to determine the role of this variant in disease. Therefore, it has been classified as a Variant of Uncertain Significance.